The following is an entry in ClinVar:

NM_001100913.3(PACS2):c.2133C>G (p.Asp711Glu)

Gene: PACS2 (phosphofurin acidic cluster sorting protein 2; plus strand). Cytogenetic location: 14q32.33.
Variant type: single nucleotide variant.
Coding change: c.2133C>G on transcript NM_001100913.3 (MANE Select); coding-DNA position 2133, C replaced by G.
Protein change: p.Asp711Glu; replaces aspartic acid 711 with glutamic acid.
Molecular consequence: missense variant.
Genome position (GRCh38, 1-based): chr14:105,391,644, C>G. VCF-style: chr14-105391644-C-G. GRCh37 (hg19) VCF-style: chr14-105857981-C-G.
Other names: c.1863C>G, p.Asp621Glu (NM_001243127.3); c.2088C>G, p.Asp696Glu (NM_015197.4); short protein forms D621E, D696E, D711E.
Identifiers: ClinVar variation 1599330 (VCV001599330.33), dbSNP rs782667380, ClinGen allele CA7389166.

ClinVar aggregate classification (germline): Benign/Likely benign. Review status: criteria provided, multiple submitters, no conflicts (2 of 4 stars). 3 submissions from 3 submitters: Benign (1); Likely benign (2). Last evaluated 2026-04-01.

Allele frequency attached by ClinVar (database versions not stated): gnomAD exomes 0.00007; ExAC 0.00009.
gnomAD v4.1: 111 of 1,609,886 alleles (0.0069%); highest among the groups gnomAD compares: Middle Eastern, 0.07%; no homozygotes.

Submissions (3):

CeGaT Center for Human Genetics Tuebingen
Classification: Likely benign. Last evaluated: 2026-04-01. Review status: criteria provided, single submitter. Criteria: CeGaT Center For Human Genetics Tuebingen Variant Classification Criteria Version 2. Collection method: clinical testing. Allele origin: germline. Affected: yes. Observed: 3 variant alleles.
Comment: PACS2: BS2

Labcorp Genetics (formerly Invitae), Labcorp
Classification: Benign. Last evaluated: 2025-08-31. Review status: criteria provided, single submitter. Criteria: Invitae Variant Classification Sherloc (09022015). Collection method: clinical testing. Allele origin: germline.

Blueprint Genetics
Classification: Likely benign. Last evaluated: 2024-07-22. Review status: criteria provided, single submitter. Criteria: ACMG Guidelines, 2015. Collection method: clinical testing. Allele origin: germline.